The following is an entry in ClinVar:

ClinVar aggregate classification (germline): Uncertain significance. Review status: criteria provided, multiple submitters, no conflicts (2 of 4 stars). 2 submissions from 2 submitters: Uncertain significance (2). Last evaluated 2024-09-18.

Conditions:
Inborn genetic diseases. Identifiers: MedGen C0950123, MeSH D030342.

Allele frequency attached by ClinVar (database versions not stated): ESP Exome Variant Server 0.00008; gnomAD exomes 0.00001; TOPMed 0.00003.
gnomAD v4.1: 21 of 1,613,886 alleles (0.0013%); highest among the groups gnomAD compares: South Asian, 0.0066%; no homozygotes.

Submissions (2):

Ambry Genetics
Classification: Uncertain significance for Inborn genetic diseases. Last evaluated: 2024-09-18. Review status: criteria provided, single submitter. Criteria: Ambry Variant Classification Scheme 2023. Collection method: clinical testing. Allele origin: germline.

Labcorp Genetics (formerly Invitae), Labcorp
Classification: Uncertain significance. Last evaluated: 2022-07-15. Review status: criteria provided, single submitter. Criteria: Invitae Variant Classification Sherloc (09022015). Collection method: clinical testing. Allele origin: germline.
Comment: This sequence change replaces arginine, which is basic and polar, with histidine, which is basic and polar, at codon 632 of the MBTPS1 protein (p.Arg632His). This variant is not present in population databases (gnomAD no frequency). This variant has not been reported in the literature in individuals affected with MBTPS1-related conditions. Algorithms developed to predict the effect of missense changes on protein structure and function are either unavailable or do not agree on the potential impact of this missense change (SIFT: "Deleterious"; PolyPhen-2: "Probably Damaging"; Align-GVGD: "Class C0"). In summary, the available evidence is currently insufficient to determine the role of this variant in disease. Therefore, it has been classified as a Variant of Uncertain Significance.

NM_003791.4(MBTPS1):c.1895G>A (p.Arg632His)

Gene: MBTPS1 (membrane bound transcription factor peptidase, site 1; minus strand). Cytogenetic location: 16q23.3.
Variant type: single nucleotide variant.
Coding change: c.1895G>A on transcript NM_003791.4 (MANE Select); coding-DNA position 1895, G replaced by A.
Protein change: p.Arg632His; replaces arginine 632 with histidine.
Molecular consequence: missense variant.
Genome position (GRCh38, 1-based): chr16:84,069,926, C>T on the plus strand (G>A on the coding strand, the complement: MBTPS1 is on the minus strand). VCF-style: chr16-84069926-C-T. GRCh37 (hg19) VCF-style: chr16-84103531-C-T.
Other names: c.1895G>A (NM_003791.2); short protein forms R632H.
Identifiers: ClinVar variation 2077564 (VCV002077564.5), dbSNP rs372754146, ClinGen allele CA285451092.